The following is an entry in ClinVar:

ClinVar aggregate classification (germline): Likely pathogenic (1 of 4 stars; one submission).

Conditions:
Intellectual developmental disorder, autosomal recessive 68. Also called: MENTAL RETARDATION, AUTOSOMAL RECESSIVE 68. Identifiers: MedGen C4749033, MONDO:0032665, OMIM 618302.

Submission:

Department of Clinical Genetics, Aarhus University Hospital
Classification: Likely pathogenic for Intellectual developmental disorder, autosomal recessive 68. Last evaluated: 2025-09-16. Review status: criteria provided, single submitter. Criteria: ACMG Guidelines, 2015. Collection method: clinical testing. Allele origin: inherited. Inheritance: Autosomal recessive inheritance. Affected: yes.
Comment: This variant was found in compound heterozygous state with TRMT1 c.1581del, p.(Arg528Glyfs*131). The variant is not seen in the gnomAD v4.1 database. The variant is a frameshift variant predicted to cause a premature termination codon in exon 13 of 17 and predicted to result in NMD and loss-of-function. According to the ACMG guidelines, this variant is interpreted as likely pathogenic (PVS1, PM2_supporting).

Literature cited by the submitters: PubMed 40245862.

NM_001136035.4(TRMT1):c.1435_1436del (p.Ser479fs)

Gene: TRMT1 (tRNA methyltransferase 1; minus strand). Cytogenetic location: 19p13.13.
Variant type: Microsatellite.
Coding change: c.1435_1436del on transcript NM_001136035.4 (MANE Select); coding-DNA positions 1435 to 1436, 2 bases deleted (TC; older notation c.1435_1436delTC).
Protein change: p.Ser479fs; shifts the reading frame from serine 479.
Molecular consequence: frameshift variant.
Genome position (GRCh38, 1-based): chr19:13,107,821-13,107,822, GA deleted on the plus strand (TC on the coding strand, the reverse complement: TRMT1 is on the minus strand); deleting any 2 consecutive bases within chr19:13,107,821-13,107,825 gives the same sequence; the c. name uses the placement nearest the transcript's 3' end. VCF-style (leftmost placement, unchanged base first): chr19-13107820-GGA-G. GRCh37 (hg19) VCF-style: chr19-13218634-GGA-G.
Other names: c.1348_1349del, p.Ser450fs (NM_001142554.3, NM_001351760.2); c.1327_1328del, p.Ser443fs (NM_001351761.2); c.652_653del, p.Ser218fs (NM_001351762.2); c.1435_1436del, p.Ser479fs (NM_017722.5); short protein forms S443fs, S450fs, S218fs, S479fs.
Identifiers: ClinVar variation 4795242 (VCV004795242.1).
Genomic context (GRCh38, chr19:13,107,820, plus strand): 5'-CATGATGTCCCAGAGGGCAGAGGCAGGGGCATCCGTCTTCACAGCGTTCTTACAGGCGTG[GGA>G]GAGTGAGACCCGGAAGTCAGCGTGGAGGAGGGCCGACCTGGGGAACAGCAGGGATTATGA-3'